The following is an entry in ClinVar:

ClinVar aggregate classification (germline): Uncertain significance. Review status: criteria provided, multiple submitters, no conflicts (2 of 4 stars). 7 submissions from 7 submitters: Uncertain significance (5). 2 of the submissions do not count toward it. Last evaluated 2024-12-27.

Conditions:
Inborn genetic diseases. Identifiers: MedGen C0950123, MeSH D030342.
Sulfite oxidase deficiency due to molybdenum cofactor deficiency type C. Also called: Molybdenum cofactor deficiency C; Molybdenum cofactor deficiency, complementation group C. Identifiers: Orphanet 308400, Orphanet 833, MedGen C1854990, MONDO:0014212, OMIM 615501.
Hyperekplexia 1 (STHE). Also called: STARTLE DISEASE, FAMILIAL; STIFF-BABY SYNDROME; STIFF-MAN SYNDROME, CONGENITAL; STIFF-PERSON SYNDROME, CONGENITAL; HYPEREKPLEXIA 1, AUTOSOMAL DOMINANT; HYPEREKPLEXIA 1, AUTOSOMAL RECESSIVE. Identifiers: Orphanet 3197, MedGen C4551954, MONDO:0007868, OMIM 149400.
Hyperekplexia. Identifiers: Orphanet 306773, MedGen C0234166, MONDO:0017658.

Allele frequency attached by ClinVar (database versions not stated): ExAC 0.00015; gnomAD 0.00016 and 0.00017; TOPMed 0.00017; gnomAD exomes 0.00019 and 0.00024.
gnomAD v4.1: 378 of 1,613,786 alleles (0.023%); highest among the groups gnomAD compares: Non-Finnish European, 0.028%; no homozygotes.

Submissions (7):

Labcorp Genetics (formerly Invitae), Labcorp
Classification: Uncertain significance for Sulfite oxidase deficiency due to molybdenum cofactor deficiency type C. Last evaluated: 2024-12-27. Review status: criteria provided, single submitter. Criteria: Invitae Variant Classification Sherloc (09022015). Collection method: clinical testing. Allele origin: germline.
Comment: This sequence change replaces asparagine, which is neutral and polar, with tyrosine, which is neutral and polar, at codon 10 of the GPHN protein (p.Asn10Tyr). This variant is present in population databases (rs121908539, gnomAD 0.03%). This missense change has been observed in individual(s) with neonatal hypertonia and hyperekplexia (PMID: 12684523). ClinVar contains an entry for this variant (Variation ID: 5973). An algorithm developed to predict the effect of missense changes on protein structure and function (PolyPhen-2) suggests that this variant is likely to be disruptive. Experimental studies have shown that this missense change does not substantially affect GPHN function (PMID: 12684523). In summary, the available evidence is currently insufficient to determine the role of this variant in disease. Therefore, it has been classified as a Variant of Uncertain Significance.

Blueprint Genetics
Classification: Uncertain significance. Last evaluated: 2024-11-14. Review status: criteria provided, single submitter. Criteria: ACMG Guidelines, 2015. Collection method: clinical testing. Allele origin: germline.

Mayo Clinic Laboratories, Mayo Clinic
Classification: Uncertain significance. Last evaluated: 2022-09-29. Review status: criteria provided, single submitter. Criteria: ACMG Guidelines, 2015. Collection method: clinical testing. Allele origin: germline. Observed: 1 variant allele.
Comment: PP2, PM2

Fulgent Genetics
Classification: Uncertain significance for Hyperekplexia 1; Sulfite oxidase deficiency due to molybdenum cofactor deficiency type C. Last evaluated: 2022-02-24. Review status: criteria provided, single submitter. Criteria: ACMG Guidelines, 2015. Collection method: clinical testing. Allele origin: unknown.

Ambry Genetics
Classification: Uncertain significance for Inborn genetic diseases. Last evaluated: 2021-06-11. Review status: criteria provided, single submitter. Criteria: Ambry Variant Classification Scheme 2023. Collection method: clinical testing. Allele origin: germline.
Comment: The c.28A>T (p.N10Y) alteration is located in exon 1 (coding exon 1) of the GPHN gene. This alteration results from a A to T substitution at nucleotide position 28, causing the asparagine (N) at amino acid position 10 to be replaced by a tyrosine (Y). The in silico prediction for the p.N10Y alteration is inconclusive. Based on insufficient or conflicting evidence, the clinical significance of this alteration remains unclear.

GeneReviews
Classification: Pathogenic for Hyperekplexia. Last evaluated: 2012-10-04. Review status: no assertion criteria provided. Collection method: curation. Allele origin: unknown. Not counted in ClinVar's aggregate classification.
ClinVar note: Converted during submission from pathologic to Pathogenic.

OMIM
Classification: Uncertain significance for VARIANT OF UNKNOWN SIGNIFICANCE. Last evaluated: 2003-07-04. Review status: no assertion criteria provided. Collection method: literature only. Allele origin: germline. Not counted in ClinVar's aggregate classification.

Literature cited by the submitters: PubMed 12684523 (cited by 4 submitters).

NM_020806.5(GPHN):c.28A>T (p.Asn10Tyr)

Gene: GPHN (gephyrin; plus strand). Cytogenetic location: 14q23.3.
Variant type: single nucleotide variant.
Coding change: c.28A>T on transcript NM_020806.5 (MANE Select); coding-DNA position 28, A replaced by T.
Protein change: p.Asn10Tyr; replaces asparagine 10 with tyrosine.
Molecular consequence: missense variant.
Genome position (GRCh38, 1-based): chr14:66,508,555, A>T. VCF-style: chr14-66508555-A-T. GRCh37 (hg19) VCF-style: chr14-66975273-A-T.
Other names: A28T; c.28A>T, p.Asn10Tyr (NM_001024218.2, NM_001377514.1, NM_001377515.1 and 4 more transcripts); short protein forms N10Y.
Identifiers: ClinVar variation 5973 (VCV000005973.16), dbSNP rs121908539, ClinGen allele CA253669.
Genomic context (GRCh38, chr14:66,508,555, plus strand): 5'-GCTCCTGTCAGTGCGGTGACTGCGCTGGGAAACATGGCGACCGAGGGAATGATCCTTACT[A>T]ACCACGACCATCAAATCCGTGTCGGAGTCCTTACAGGTAACCGGGGGAGGAGGTCTGGGA-3'
Protein context (NP_065857.1, residues 1-20): MATEGMILT[Asn10Tyr]HDHQIRVGVL